The following is an entry in ClinVar:

ClinVar aggregate classification (germline): Likely benign (1 of 4 stars; one submission).

Allele frequency attached by ClinVar (database versions not stated): 1000 Genomes Project 0.00020; 1000 Genomes Project 30x 0.00031; TOPMed 0.00054; gnomAD 0.00172 and 0.00183.
gnomAD v4.1: 259 of 152,334 alleles (0.17%); highest among the groups gnomAD compares: Non-Finnish European, 0.14%; 1 homozygote.

Submission:

GeneDx
Classification: Likely benign. Last evaluated: 2018-06-16. Review status: criteria provided, single submitter. Criteria: GeneDx Variant Classification (06012015). Collection method: clinical testing. Allele origin: germline. Affected: yes.
Comment: This variant is considered likely benign or benign based on one or more of the following criteria: it is a conservative change, it occurs at a poorly conserved position in the protein, it is predicted to be benign by multiple in silico algorithms, and/or has population frequency not consistent with disease.

NM_001148.6(ANK2):c.10681+268T>C

Gene: ANK2 (ankyrin 2; plus strand). Cytogenetic location: 4q26.
Variant type: single nucleotide variant.
Coding change: c.10681+268T>C on transcript NM_001148.6 (MANE Select); 268 bases into the intron after coding-DNA position 10681, T replaced by C.
Molecular consequence: intron variant.
Genome position (GRCh38, 1-based): chr4:113,359,567, T>C. VCF-style: chr4-113359567-T-C. GRCh37 (hg19) VCF-style: chr4-114280723-T-C.
Other names: c.4412-1256T>C (NM_001386186.2, NM_001386148.2); c.4214-1256T>C (NM_001354269.3); c.4292-1256T>C (NM_001386187.2); c.4253-1256T>C (NM_001386147.1); c.4271-1256T>C (NM_001386160.1); c.4376-1256T>C (NM_001354254.2); c.4397-1256T>C (NM_001354239.2, NM_001354252.2); c.4298-1256T>C (NM_001354272.2); and 35 more.
Identifiers: ClinVar variation 673811 (VCV000673811.1), dbSNP rs572541334, ClinGen allele CA103818383.